The following is an entry in ClinVar:

NM_025081.3(NYNRIN):c.3612_3613del (p.Gly1205_Gly1206insTer)

Gene: NYNRIN (NYN domain and retroviral integrase containing; plus strand). Cytogenetic location: 14q12.
Variant type: Deletion.
Coding change: c.3612_3613del on transcript NM_025081.3 (MANE Select); coding-DNA positions 3612 to 3613, 2 bases deleted (AG; older notation c.3612_3613delAG).
Protein change: p.Gly1205_Gly1206insTer.
Molecular consequence: frameshift variant.
Genome position (GRCh38, 1-based): chr14:24,415,361-24,415,362, AG deleted. VCF-style (leftmost placement, unchanged base first): chr14-24415360-CAG-C. GRCh37 (hg19) VCF-style: chr14-24884566-CAG-C.
Identifiers: ClinVar variation 2710049 (VCV002710049.3), dbSNP rs2502392852, ClinGen allele CA2624381995.

ClinVar aggregate classification (germline): Uncertain significance (1 of 4 stars; one submission).

Allele frequency attached by ClinVar (database versions not stated): gnomAD exomes below 0.00001.

Submission:

Labcorp Genetics (formerly Invitae), Labcorp
Classification: Uncertain significance. Last evaluated: 2024-01-18. Review status: criteria provided, single submitter. Criteria: Invitae Variant Classification Sherloc (09022015). Collection method: clinical testing. Allele origin: germline.
Comment: This sequence change creates a premature translational stop signal (p.Gly1206*) in the NYNRIN gene. While this is not anticipated to result in nonsense mediated decay, it is expected to disrupt the last 693 amino acid(s) of the NYNRIN protein. This variant is not present in population databases (gnomAD no frequency). This variant has not been reported in the literature in individuals affected with NYNRIN-related conditions. Experimental studies and prediction algorithms are not available or were not evaluated, and the functional significance of this variant is currently unknown. In summary, the available evidence is currently insufficient to determine the role of this variant in disease. Therefore, it has been classified as a Variant of Uncertain Significance.